The following is an entry in ClinVar:

ClinVar aggregate classification (germline): Uncertain significance (1 of 4 stars; one submission).

Conditions:
Hypertrophic cardiomyopathy. Also called: HYPERTROPHIC MYOCARDIOPATHY. Identifiers: Orphanet 217569, MedGen C0007194, MeSH D002312, MONDO:0005045, HP:0001639.

Submission:

Labcorp Genetics (formerly Invitae), Labcorp
Classification: Uncertain significance for Hypertrophic cardiomyopathy. Last evaluated: 2024-08-03. Review status: criteria provided, single submitter. Criteria: Invitae Variant Classification Sherloc (09022015). Collection method: clinical testing. Allele origin: germline.
Comment: This sequence change replaces glutamic acid, which is acidic and polar, with aspartic acid, which is acidic and polar, at codon 1669 of the MYH7 protein (p.Glu1669Asp). This variant is not present in population databases (gnomAD no frequency). This variant has not been reported in the literature in individuals affected with MYH7-related conditions. Advanced modeling of protein sequence and biophysical properties (such as structural, functional, and spatial information, amino acid conservation, physicochemical variation, residue mobility, and thermodynamic stability) performed at Invitae indicates that this missense variant is expected to disrupt MYH7 protein function with a positive predictive value of 95%. In summary, the available evidence is currently insufficient to determine the role of this variant in disease. Therefore, it has been classified as a Variant of Uncertain Significance.

NM_000257.4(MYH7):c.5007G>T (p.Glu1669Asp)

Genes: MHRT (myosin heavy chain associated RNA transcript; plus strand), MYH7 (myosin heavy chain 7; minus strand), LOC126861897 (BRD4-independent group 4 enhancer GRCh37_chr14:23884455-23885654; plus strand). Cytogenetic location: 14q11.2.
Variant type: single nucleotide variant.
Coding change: c.5007G>T on transcript NM_000257.4 (MANE Select); coding-DNA position 5007, G replaced by T.
Protein change: p.Glu1669Asp; replaces glutamic acid 1669 with aspartic acid.
Molecular consequence: missense variant. On other transcripts: non-coding transcript variant (1).
Genome position (GRCh38, 1-based): chr14:23,415,779, C>A on the plus strand (G>T on the coding strand, the complement: MYH7 is on the minus strand). VCF-style: chr14-23415779-C-A. GRCh37 (hg19) VCF-style: chr14-23884988-C-A.
Other names: c.5007G>T, p.Glu1669Asp (NM_001407004.1); short protein forms E1669D.
Identifiers: ClinVar variation 3636000 (VCV003636000.2).